The following is an entry in ClinVar:

ClinVar aggregate classification (germline): Uncertain significance (1 of 4 stars; one submission).

Conditions:
IFT172-related disorder. Also called: IFT172-related disorders; IFT172-related condition.

gnomAD v4.1: 12 of 1,613,922 alleles (0.00074%); highest among the groups gnomAD compares: South Asian, 0.013%; no homozygotes.

Submission:

PreventionGenetics, part of Exact Sciences
Classification: Uncertain significance for IFT172-related condition. Last evaluated: 2025-03-13. Review status: criteria provided, single submitter. Criteria: ACMG Guidelines, 2015. Collection method: clinical testing. Allele origin: germline.
Comment: The IFT172 c.2033G>T variant is predicted to result in the amino acid substitution p.Gly678Val. To our knowledge, this variant has not been reported in the literature. This variant is reported in 0.0098% of alleles in individuals of South Asian descent in gnomAD. At this time, the clinical significance of this variant is uncertain due to the absence of conclusive functional and genetic evidence.

NM_015662.3(IFT172):c.2033G>T (p.Gly678Val)

Gene: IFT172 (intraflagellar transport 172; minus strand). Cytogenetic location: 2p23.3.
Variant type: single nucleotide variant.
Coding change: c.2033G>T on transcript NM_015662.3 (MANE Select); coding-DNA position 2033, G replaced by T.
Protein change: p.Gly678Val; replaces glycine 678 with valine.
Molecular consequence: missense variant.
Genome position (GRCh38, 1-based): chr2:27,462,783, C>A on the plus strand (G>T on the coding strand, the complement: IFT172 is on the minus strand). VCF-style: chr2-27462783-C-A. GRCh37 (hg19) VCF-style: chr2-27685650-C-A.
Other names: c.1967G>T, p.Gly656Val (NM_001410739.1); short protein forms G656V, G678V.
Identifiers: ClinVar variation 4983859 (VCV004983859.1).